The following is an entry in ClinVar:

ClinVar aggregate classification (germline): Likely pathogenic. Review status: criteria provided, multiple submitters, no conflicts (2 of 4 stars). 2 submissions from 2 submitters: Likely pathogenic (2). Last evaluated 2025-11-13.

Conditions:
ALG1-congenital disorder of glycosylation. Also called: ALG1-CDG; CONGENITAL DISORDER OF GLYCOSYLATION, TYPE Ik; CDG Ik. Identifiers: Orphanet 79327, MedGen C2931005, MONDO:0012052, OMIM 608540.

Submissions (2):

Victorian Clinical Genetics Services, Murdoch Childrens Research Institute
Classification: Likely pathogenic for ALG1-congenital disorder of glycosylation. Last evaluated: 2025-11-13. Review status: criteria provided, single submitter. Criteria: ACMG Guidelines, 2015. Collection method: clinical testing. Allele origin: germline. Affected: yes.
Comment: This variant is classified as Likely pathogenic. Evidence in support of pathogenic classification: Variant is present in gnomAD <0.01 for a recessive condition (v4: 2 heterozygote(s), 0 homozygote(s)); This variant has limited previous evidence of pathogenicity in an unrelated individual(s). This variant has been classified as likely pathogenic by a clinical laboratory in ClinVar; Another missense variant comparable to the one identified in this case has limited previous evidence for pathogenicity. p.(Pro388Ser) has been classified as likely pathogenic and as VUS by clinical laboratories in ClinVar, and has been reported in the literature in an individual with congenital disorder of glycosylation (PMID: 26931382); Missense variant predicted to be damaging by in silico tool(s) or highly conserved with a major amino acid change; Strong phenotype match for this individual; Heterozygous variant detected in trans with a PATHOGENIC heterozygous variant (NM_019109.5(ALG1):c.1312C>T; p.(Arg438Trp)) in a recessive disease. Additional information: Variant is predicted to result in a missense amino acid change from proline to leucine; This variant is heterozygous; This gene is associated with autosomal recessive disease; Alternative amino acid change(s) at the same position are present in gnomAD (highest allele count: v4: 10 heterozygote(s), 0 homozygote(s)); No published evidence of segregation with disease has been identified for this variant; No published functional evidence has been identified for this variant; Variant is located in the annotated glycosyl transferases group 1 domain (DECIPHER); Loss of function is a known mechanism of disease in this gene and is associated with type Ik congenital disorder of glycosylation (MIM#608540).

Labcorp Genetics (formerly Invitae), Labcorp
Classification: Likely pathogenic for ALG1-congenital disorder of glycosylation. Last evaluated: 2025-05-03. Review status: criteria provided, single submitter. Criteria: Invitae Variant Classification Sherloc (09022015). Collection method: clinical testing. Allele origin: germline.
Comment: This sequence change replaces proline, which is neutral and non-polar, with leucine, which is neutral and non-polar, at codon 388 of the ALG1 protein (p.Pro388Leu). This variant is present in population databases (no rsID available, gnomAD 0.01%). This missense change has been observed in individual(s) with ALG1-CDG (internal data). In at least one individual the data is consistent with being in trans (on the opposite chromosome) from a pathogenic variant. ClinVar contains an entry for this variant (Variation ID: 2841570). Invitae Evidence Modeling of protein sequence and biophysical properties (such as structural, functional, and spatial information, amino acid conservation, physicochemical variation, residue mobility, and thermodynamic stability) indicates that this missense variant is expected to disrupt ALG1 protein function with a positive predictive value of 80%. This variant disrupts the p.Pro388 amino acid residue in ALG1. Other variant(s) that disrupt this residue have been observed in individuals with ALG1-related conditions (internal data), which suggests that this may be a clinically significant amino acid residue. In summary, the currently available evidence indicates that the variant is pathogenic, but additional data are needed to prove that conclusively. Therefore, this variant has been classified as Likely Pathogenic.

Literature cited by the submitters: PubMed 26931382 (cited by Victorian Clinical Genetics Services, Murdoch Childrens Research Institute).

NM_019109.5(ALG1):c.1163C>T (p.Pro388Leu)

Gene: ALG1 (ALG1 chitobiosyldiphosphodolichol beta-mannosyltransferase; plus strand). Cytogenetic location: 16p13.3.
Variant type: single nucleotide variant.
Coding change: c.1163C>T on transcript NM_019109.5 (MANE Select); coding-DNA position 1163, C replaced by T.
Protein change: p.Pro388Leu; replaces proline 388 with leucine.
Molecular consequence: missense variant.
Genome position (GRCh38, 1-based): chr16:5,082,649, C>T. VCF-style: chr16-5082649-C-T. GRCh37 (hg19) VCF-style: chr16-5132650-C-T.
Other names: c.830C>T, p.Pro277Leu (NM_001330504.2); c.1163C>T (NM_019109.4); short protein forms P277L, P388L.
Identifiers: ClinVar variation 2841570 (VCV002841570.5), dbSNP rs757369691, ClinGen allele CA394673939.